The following is an entry in ClinVar:

NM_033409.4(SLC52A3):c.658C>G (p.Pro220Ala)

Gene: SLC52A3 (solute carrier family 52 member 3; minus strand). Cytogenetic location: 20p13.
Variant type: single nucleotide variant.
Coding change: c.658C>G on transcript NM_033409.4 (MANE Select); coding-DNA position 658, C replaced by G.
Protein change: p.Pro220Ala; replaces proline 220 with alanine.
Molecular consequence: missense variant.
Genome position (GRCh38, 1-based): chr20:763,913, G>C on the plus strand (C>G on the coding strand, the complement: SLC52A3 is on the minus strand). VCF-style: chr20-763913-G-C. GRCh37 (hg19) VCF-style: chr20-744557-G-C.
Other names: c.658C>G, p.Pro220Ala (NM_001370085.1, NM_001370086.1); short protein forms P220A.
Identifiers: ClinVar variation 4880920 (VCV004880920.2).

ClinVar aggregate classification (germline): Uncertain significance (1 of 4 stars; one submission).

Submission:

Dasa
Classification: Uncertain significance. Last evaluated: 2024-10-02. Review status: criteria provided, single submitter. Criteria: DASA Assertion Criteria. Collection method: clinical testing. Allele origin: germline.
Comment: NM_033409.4(SLC52A3):c.658C>G (p.Pro220Ala) is a missense variant that results in the substitution of proline with alanine. This variant is absent from population databases. Computational prediction algorithms are consistent with a benign effect. The currently available literature and clinical evidence are not sufficient to establish a definitive association between this variant and the reported condition. Therefore, this variant is classified as a variant of uncertain significance.